The following is an entry in ClinVar:

ClinVar aggregate classification (germline): Uncertain significance (1 of 4 stars; one submission).

gnomAD v4.1: 1 of 1,585,822 alleles (0.000063%); highest among the groups gnomAD compares: Non-Finnish European, 0.000086%; no homozygotes.

Submission:

Labcorp Genetics (formerly Invitae), Labcorp
Classification: Uncertain significance. Last evaluated: 2023-11-13. Review status: criteria provided, single submitter. Criteria: Invitae Variant Classification Sherloc (09022015). Collection method: clinical testing. Allele origin: germline.
Comment: This sequence change replaces leucine, which is neutral and non-polar, with valine, which is neutral and non-polar, at codon 5468 of the ADGRV1 protein (p.Leu5468Val). This variant is not present in population databases (gnomAD no frequency). This variant has not been reported in the literature in individuals affected with ADGRV1-related conditions. ClinVar contains an entry for this variant (Variation ID: 2168453). Advanced modeling of protein sequence and biophysical properties (such as structural, functional, and spatial information, amino acid conservation, physicochemical variation, residue mobility, and thermodynamic stability) performed at Invitae indicates that this missense variant is not expected to disrupt ADGRV1 protein function with a negative predictive value of 95%. In summary, the available evidence is currently insufficient to determine the role of this variant in disease. Therefore, it has been classified as a Variant of Uncertain Significance.

NM_032119.4(ADGRV1):c.16402C>G (p.Leu5468Val)

Gene: ADGRV1 (adhesion G protein-coupled receptor V1; plus strand). Cytogenetic location: 5q14.3.
Variant type: single nucleotide variant.
Coding change: c.16402C>G on transcript NM_032119.4 (MANE Select); coding-DNA position 16402, C replaced by G.
Protein change: p.Leu5468Val; replaces leucine 5468 with valine.
Molecular consequence: missense variant. On other transcripts: non-coding transcript variant (1).
Genome position (GRCh38, 1-based): chr5:90,828,977, C>G. VCF-style: chr5-90828977-C-G. GRCh37 (hg19) VCF-style: chr5-90124794-C-G.
Other names: short protein forms L5468V.
Identifiers: ClinVar variation 2168453 (VCV002168453.3), dbSNP rs757696596, ClinGen allele CA360426742.